The following is an entry in ClinVar:

NM_004415.4(DSP):c.7997G>A (p.Gly2666Asp)

Gene: DSP (desmoplakin; plus strand). Cytogenetic location: 6p24.3.
Variant type: single nucleotide variant.
Coding change: c.7997G>A on transcript NM_004415.4 (MANE Select); coding-DNA position 7997, G replaced by A.
Protein change: p.Gly2666Asp; replaces glycine 2666 with aspartic acid.
Molecular consequence: missense variant.
Genome position (GRCh38, 1-based): chr6:7,585,259, G>A. VCF-style: chr6-7585259-G-A. GRCh37 (hg19) VCF-style: chr6-7585492-G-A.
Other names: c.7997G>A (LRG_423t1); c.6200G>A, p.Gly2067Asp (NM_001008844.3); c.6668G>A, p.Gly2223Asp (NM_001319034.2); short protein forms G2067D, G2223D, G2666D.
Identifiers: ClinVar variation 659298 (VCV000659298.11), dbSNP rs750085948, ClinGen allele CA051319.

ClinVar aggregate classification (germline): Conflicting classifications of pathogenicity. Review status: criteria provided, conflicting classifications (1 of 4 stars). 3 submissions from 3 submitters: Uncertain significance (2); Likely benign (1). Last evaluated 2023-12-01.

Conditions:
Arrhythmogenic cardiomyopathy with wooly hair and keratoderma. Also called: Dilated cardiomyopathy with woolly hair and keratoderma; PALMOPLANTAR KERATODERMA WITH LEFT VENTRICULAR CARDIOMYOPATHY AND WOOLLY HAIR; Arrhythmogenic cardiomyopathy with woolly hair and keratoderma; Carvajal syndrome. Identifiers: Orphanet 65282, MedGen C1854063, MONDO:0011581, OMIM 605676.
Arrhythmogenic right ventricular dysplasia 8 (ARVD8). Also called: Arrhythmogenic Right Ventricular Dysplasia/Cardiomyopathy 8; ARRHYTHMOGENIC RIGHT VENTRICULAR DYSPLASIA, FAMILIAL, 8; ARRHYTHMOGENIC RIGHT VENTRICULAR CARDIOMYOPATHY 8. Identifiers: MedGen C1843896, MONDO:0011831, OMIM 607450.

Allele frequency attached by ClinVar (database versions not stated): gnomAD exomes below 0.00001; TOPMed below 0.00001; ExAC 0.00001.
gnomAD v4.1: 1 of 1,614,150 alleles (0.000062%); highest among the groups gnomAD compares: South Asian, 0.0011%; no homozygotes.

Submissions (3):

All of Us Research Program, National Institutes of Health
Classification: Uncertain significance for Arrhythmogenic cardiomyopathy with wooly hair and keratoderma. Last evaluated: 2023-12-01. Review status: criteria provided, single submitter. Criteria: ACMG Guidelines, 2015. Collection method: clinical testing. Allele origin: germline. Inheritance: Autosomal dominant inheritance. Observed: 1 variant allele, 1 heterozygote.
Comment: This study involves interpretation of variants in research participants for the purpose of population health screening. Participant phenotype was not available at the time of variant classification. Additional details can be found in publication PMID: 35346344, PMCID: PMC8962531

Labcorp Genetics (formerly Invitae), Labcorp
Classification: Likely benign for Arrhythmogenic cardiomyopathy with wooly hair and keratoderma; Arrhythmogenic right ventricular dysplasia 8. Last evaluated: 2022-12-06. Review status: criteria provided, single submitter. Criteria: Invitae Variant Classification Sherloc (09022015). Collection method: clinical testing. Allele origin: germline.

GeneDx
Classification: Uncertain significance. Last evaluated: 2019-02-22. Review status: criteria provided, single submitter. Criteria: GeneDx Variant Classification Process June 2021. Collection method: clinical testing. Allele origin: germline. Affected: yes.
Comment: Not observed at a significant frequency in large population cohorts (Lek et al., 2016); In silico analysis, which includes protein predictors and evolutionary conservation, supports a deleterious effect; Has not been previously published as pathogenic or benign to our knowledge; This variant is associated with the following publications: (PMID: 30276209)